The following is an entry in ClinVar:

ClinVar aggregate classification (germline): Uncertain significance (1 of 4 stars; one submission).

Conditions:
Charcot-Marie-Tooth disease type 2E (CMT2E). Also called: CHARCOT-MARIE-TOOTH DISEASE, AXONAL, TYPE 2E; CHARCOT-MARIE-TOOTH NEUROPATHY, TYPE 2E. Identifiers: Orphanet 99939, MedGen C1843225, MONDO:0011894, OMIM 607684.

Submission:

Labcorp Genetics (formerly Invitae), Labcorp
Classification: Uncertain significance for Charcot-Marie-Tooth disease type 2E. Last evaluated: 2024-07-18. Review status: criteria provided, single submitter. Criteria: Invitae Variant Classification Sherloc (09022015). Collection method: clinical testing. Allele origin: germline.
Comment: This sequence change replaces aspartic acid, which is acidic and polar, with asparagine, which is neutral and polar, at codon 482 of the NEFL protein (p.Asp482Asn). This variant is not present in population databases (gnomAD no frequency). This variant has not been reported in the literature in individuals affected with NEFL-related conditions. Advanced modeling of protein sequence and biophysical properties (such as structural, functional, and spatial information, amino acid conservation, physicochemical variation, residue mobility, and thermodynamic stability) has been performed at Invitae for this missense variant, however the output from this modeling did not meet the statistical confidence thresholds required to predict the impact of this variant on NEFL protein function. In summary, the available evidence is currently insufficient to determine the role of this variant in disease. Therefore, it has been classified as a Variant of Uncertain Significance.

NM_006158.5(NEFL):c.1444G>A (p.Asp482Asn)

Gene: NEFL (neurofilament light chain; minus strand). Cytogenetic location: 8p21.2.
Variant type: single nucleotide variant.
Coding change: c.1444G>A on transcript NM_006158.5 (MANE Select); coding-DNA position 1444, G replaced by A.
Protein change: p.Asp482Asn; replaces aspartic acid 482 with asparagine.
Molecular consequence: missense variant.
Genome position (GRCh38, 1-based): chr8:24,953,521, C>T on the plus strand (G>A on the coding strand, the complement: NEFL is on the minus strand). VCF-style: chr8-24953521-C-T. GRCh37 (hg19) VCF-style: chr8-24811034-C-T.
Other names: short protein forms D482N.
Identifiers: ClinVar variation 3632678 (VCV003632678.2).
Genomic context (GRCh38, chr8:24,953,521, plus strand): 5'-TTTTTCTTATCATACCTTCTTCCTCTTCAGCTGCCTCCTCTTCCTCGGCCTCTTCCTTGT[C>T]CTTCTCCTCCTCCTCGGCTTCTCCTTCAGAGGGGGGCTCATCCTTGGCTTCCTCAGCCTT-3'
Protein context (NP_006149.2, residues 472-492): SEGEAEEEEK[Asp482Asn]KEEAEEEEAA